The following is an entry in ClinVar:

NM_012062.5(DNM1L):c.457G>A (p.Val153Met)

Gene: DNM1L (dynamin 1 like; plus strand). Cytogenetic location: 12p11.21.
Variant type: single nucleotide variant.
Coding change: c.457G>A on transcript NM_012062.5 (MANE Select); coding-DNA position 457, G replaced by A.
Protein change: p.Val153Met; replaces valine 153 with methionine.
Molecular consequence: missense variant. On other transcripts: intron variant (1).
Genome position (GRCh38, 1-based): chr12:32,713,209, G>A. VCF-style: chr12-32713209-G-A. GRCh37 (hg19) VCF-style: chr12-32866143-G-A.
Other names: c.457G>A, p.Val153Met (NM_001278463.2, NM_005690.5, NM_012063.4); c.496G>A, p.Val166Met (NM_001278464.2, NM_001278465.2, NM_001330380.2); c.131+5796G>A (NM_001278466.2); short protein forms V153M, V166M.
Identifiers: ClinVar variation 4762263 (VCV004762263.1).

ClinVar aggregate classification (germline): Uncertain significance (1 of 4 stars; one submission).

Submission:

Labcorp Genetics (formerly Invitae), Labcorp
Classification: Uncertain significance. Last evaluated: 2025-11-07. Review status: criteria provided, single submitter. Criteria: Invitae Variant Classification Sherloc (09022015). Collection method: clinical testing. Allele origin: germline.
Comment: This sequence change replaces valine, which is neutral and non-polar, with methionine, which is neutral and non-polar, at codon 153 of the DNM1L protein (p.Val153Met). This variant is not present in population databases (gnomAD no frequency). This variant has not been reported in the literature in individuals affected with DNM1L-related conditions. An algorithm developed to predict the effect of missense changes on protein structure and function (PolyPhen-2) suggests that this variant is likely to be disruptive. In summary, the available evidence is currently insufficient to determine the role of this variant in disease. Therefore, it has been classified as a Variant of Uncertain Significance.